The following is an entry in ClinVar:

ClinVar aggregate classification (germline): Likely benign (0 of 4 stars; one submission).

Conditions:
SDK2-related disorder. Also called: SDK2-related condition.

Allele frequency attached by ClinVar (database versions not stated): ESP Exome Variant Server 0.00008.
gnomAD v4.1: 71 of 1,556,412 alleles (0.0046%); highest among the groups gnomAD compares: Admixed American, 0.029%; no homozygotes.

Submission:

PreventionGenetics, part of Exact Sciences
Classification: Likely benign for SDK2-related condition. Last evaluated: 2019-03-07. Review status: no assertion criteria provided. Collection method: clinical testing. Allele origin: germline.
Comment: This variant is classified as likely benign based on ACMG/AMP sequence variant interpretation guidelines (Richards et al. 2015 PMID: 25741868, with internal and published modifications).

NM_001144952.2(SDK2):c.4410G>A (p.Thr1470=)

Gene: SDK2 (sidekick cell adhesion molecule 2; minus strand). Cytogenetic location: 17q25.1.
Variant type: single nucleotide variant.
Coding change: c.4410G>A on transcript NM_001144952.2 (MANE Select); coding-DNA position 4410, G replaced by A.
Protein change: p.Thr1470=; no amino-acid change (threonine 1470 retained).
Molecular consequence: synonymous variant.
Genome position (GRCh38, 1-based): chr17:73,386,533, C>T on the plus strand (G>A on the coding strand, the complement: SDK2 is on the minus strand). VCF-style: chr17-73386533-C-T. GRCh37 (hg19) VCF-style: chr17-71382672-C-T.
Identifiers: ClinVar variation 3047340 (VCV003047340.2), dbSNP rs371894396, ClinGen allele CA8742783.